The following is an entry in ClinVar:

ClinVar aggregate classification (germline): Uncertain significance (1 of 4 stars; one submission).

Conditions:
Inborn genetic diseases. Identifiers: MedGen C0950123, MeSH D030342.

Allele frequency attached by ClinVar (database versions not stated): TOPMed 0.00001; gnomAD 0.00002.
gnomAD v4.1: 6 of 1,613,826 alleles (0.00037%); highest among the groups gnomAD compares: African/African-American, 0.004%; no homozygotes.

Submission:

Ambry Genetics
Classification: Uncertain significance for Inborn genetic diseases. Last evaluated: 2024-01-01. Review status: criteria provided, single submitter. Criteria: Ambry Variant Classification Scheme 2023. Collection method: clinical testing. Allele origin: germline.
Comment: The p.G496S variant (also known as c.1486G>A), located in coding exon 16 of the ERCC2 gene, results from a G to A substitution at nucleotide position 1486. The glycine at codon 496 is replaced by serine, an amino acid with similar properties. This amino acid position is conserved. In addition, the in silico prediction for this alteration is inconclusive. Since supporting evidence is limited at this time, the clinical significance of this alteration remains unclear.

NM_000400.4(ERCC2):c.1486G>A (p.Gly496Ser)

Gene: ERCC2 (ERCC excision repair 2, TFIIH core complex helicase subunit; minus strand). Cytogenetic location: 19q13.32.
Variant type: single nucleotide variant.
Coding change: c.1486G>A on transcript NM_000400.4 (MANE Select); coding-DNA position 1486, G replaced by A.
Protein change: p.Gly496Ser; replaces glycine 496 with serine.
Molecular consequence: missense variant.
Genome position (GRCh38, 1-based): chr19:45,355,722, C>T on the plus strand (G>A on the coding strand, the complement: ERCC2 is on the minus strand). VCF-style: chr19-45355722-C-T. GRCh37 (hg19) VCF-style: chr19-45858980-C-T.
Other names: short protein forms G496S.
Identifiers: ClinVar variation 1773675 (VCV001773675.2), dbSNP rs1437680307, ClinGen allele CA406365974.